The following is an entry in ClinVar:

ClinVar aggregate classification (germline): Uncertain significance (1 of 4 stars; one submission).

Conditions:
Dilated cardiomyopathy 1D. Identifiers: Orphanet 154, Orphanet 54260, MedGen C1832243, MONDO:0011095, OMIM 601494.
Cardiomyopathy, familial restrictive, 3. Identifiers: Orphanet 75249, MedGen C2676271, MONDO:0012900, OMIM 612422.
Hypertrophic cardiomyopathy 2. Also called: TNNT2-Related Familial Hypertrophic Cardiomyopathy. Identifiers: MedGen C1861864, MONDO:0007266, OMIM 115195.

Submission:

Labcorp Genetics (formerly Invitae), Labcorp
Classification: Uncertain significance for Cardiomyopathy, familial restrictive, 3; Hypertrophic cardiomyopathy 2; Dilated cardiomyopathy 1D. Last evaluated: 2022-01-01. Review status: criteria provided, single submitter. Criteria: Invitae Variant Classification Sherloc (09022015). Collection method: clinical testing. Allele origin: germline.
Comment: In summary, the available evidence is currently insufficient to determine the role of this variant in disease. Therefore, it has been classified as a Variant of Uncertain Significance. Algorithms developed to predict the effect of sequence changes on RNA splicing suggest that this variant may disrupt the consensus splice site. This variant has not been reported in the literature in individuals affected with TNNT2-related conditions. This variant is not present in population databases (gnomAD no frequency). This sequence change falls in intron 14 of the TNNT2 gene. It does not directly change the encoded amino acid sequence of the TNNT2 protein.

NM_001276345.2(TNNT2):c.811-5T>G

Gene: TNNT2 (troponin T2, cardiac type; minus strand). Cytogenetic location: 1q32.1.
Variant type: single nucleotide variant.
Coding change: c.811-5T>G on transcript NM_001276345.2 (MANE Select); 5 bases into the intron before coding-DNA position 811, T replaced by G.
Molecular consequence: intron variant.
Genome position (GRCh38, 1-based): chr1:201,359,668, A>C on the plus strand (T>G on the coding strand, the complement: TNNT2 is on the minus strand). VCF-style: chr1-201359668-A-C. GRCh37 (hg19) VCF-style: chr1-201328796-A-C.
Other names: c.763-5T>G (NM_001001432.3); c.772-5T>G (NM_001001431.3); c.781-5T>G (NM_001001430.3, NM_001276347.2); c.682-5T>G (NM_001276346.2); c.802-5T>G (NM_000364.4).
Identifiers: ClinVar variation 2069044 (VCV002069044.4), dbSNP rs773596960, ClinGen allele CA2573979217.